The following is an entry in ClinVar:

NM_000017.4(ACADS):c.1072G>T (p.Ala358Ser)

Gene: ACADS (acyl-CoA dehydrogenase short chain; plus strand). Cytogenetic location: 12q24.31.
Variant type: single nucleotide variant.
Coding change: c.1072G>T on transcript NM_000017.4 (MANE Select); coding-DNA position 1072, G replaced by T.
Protein change: p.Ala358Ser; replaces alanine 358 with serine.
Molecular consequence: missense variant.
Genome position (GRCh38, 1-based): chr12:120,739,182, G>T. VCF-style: chr12-120739182-G-T. GRCh37 (hg19) VCF-style: chr12-121176985-G-T.
Other names: c.1060G>T, p.Ala354Ser (NM_001302554.2); short protein forms A354S, A358S.
Identifiers: ClinVar variation 2194702 (VCV002194702.3), dbSNP rs754459133, ClinGen allele CA6831202.

ClinVar aggregate classification (germline): Uncertain significance (1 of 4 stars; one submission).

Conditions:
Deficiency of butyryl-CoA dehydrogenase (ACADSD). Also called: SCADH DEFICIENCY; Short-Chain Acyl-CoA Dehydrogenase Deficiency; SCAD Deficiency; ACADS DEFICIENCY; ACYL-CoA DEHYDROGENASE, SHORT-CHAIN, DEFICIENCY OF; SCAD DEFICIENCY, MILD. Identifiers: Orphanet 26792, MedGen C0342783, MONDO:0008722, OMIM 201470. Disease mechanism: May be benign.

Allele frequency attached by ClinVar (database versions not stated): ExAC 0.00002.
gnomAD v4.1: 17 of 1,612,920 alleles (0.0011%); highest among the groups gnomAD compares: Admixed American, 0.025%; no homozygotes.

Submission:

Labcorp Genetics (formerly Invitae), Labcorp
Classification: Uncertain significance for Deficiency of butyryl-CoA dehydrogenase. Last evaluated: 2024-11-11. Review status: criteria provided, single submitter. Criteria: Invitae Variant Classification Sherloc (09022015). Collection method: clinical testing. Allele origin: germline.
Comment: This sequence change replaces alanine, which is neutral and non-polar, with serine, which is neutral and polar, at codon 358 of the ACADS protein (p.Ala358Ser). This variant is present in population databases (rs754459133, gnomAD 0.04%). This variant has not been reported in the literature in individuals affected with ACADS-related conditions. ClinVar contains an entry for this variant (Variation ID: 2194702). An algorithm developed to predict the effect of missense changes on protein structure and function outputs the following: PolyPhen-2: "Benign". The serine amino acid residue is found in multiple mammalian species, which suggests that this missense change does not adversely affect protein function. In summary, the available evidence is currently insufficient to determine the role of this variant in disease. Therefore, it has been classified as a Variant of Uncertain Significance.